The following is an entry in ClinVar:

NM_001375808.2(LPIN2):c.1794-9G>A

Gene: LPIN2 (lipin 2; minus strand). Cytogenetic location: 18p11.31.
Variant type: single nucleotide variant.
Coding change: c.1794-9G>A on transcript NM_001375808.2 (MANE Select); 9 bases into the intron before coding-DNA position 1794, G replaced by A.
Molecular consequence: intron variant.
Genome position (GRCh38, 1-based): chr18:2,925,377, C>T on the plus strand (G>A on the coding strand, the complement: LPIN2 is on the minus strand). VCF-style: chr18-2925377-C-T. GRCh37 (hg19) VCF-style: chr18-2925375-C-T.
Other names: c.1794-9G>A (NM_014646.2, NM_001375809.1).
Identifiers: ClinVar variation 138132 (VCV000138132.12), dbSNP rs587781026, ClinGen allele CA291954.
Genomic context (GRCh38, chr18:2,925,377, plus strand): 5'-TTCTTCGAGCTCCTGTGATCCCTCGTCACTCGAGGAGTCATTCTCGGCCGGCCTGTTCAA[C>T]ATTAGCCCAGTTACGGAAGAGGCAGCAGGGCATTTTATTGATGAGAGCTTTTCATTTAGG-3'

ClinVar aggregate classification (germline): Benign/Likely benign. Review status: criteria provided, multiple submitters, no conflicts (2 of 4 stars). 4 submissions from 4 submitters: Benign (1); Likely benign (3). Last evaluated 2024-10-21.

Conditions:
Majeed syndrome (MJDS). Also called: LPIN2-Related Majeed Syndrome; CHRONIC RECURRENT MULTIFOCAL OSTEOMYELITIS 1, WITH CONGENITAL DYSERYTHROPOIETIC ANEMIA, WITH OR WITHOUT NEUTROPHILIC DERMATOSIS. Identifiers: Orphanet 77297, MedGen C1864997, MONDO:0012316, OMIM 609628.

Allele frequency attached by ClinVar (database versions not stated): gnomAD exomes below 0.00001; ExAC 0.00001.
gnomAD v4.1: 6 of 1,614,054 alleles (0.00037%); highest among the groups gnomAD compares: South Asian, 0.0055%; no homozygotes.

Submissions (4):

Labcorp Genetics (formerly Invitae), Labcorp
Classification: Likely benign for Majeed syndrome. Last evaluated: 2024-10-21. Review status: criteria provided, single submitter. Criteria: Invitae Variant Classification Sherloc (09022015). Collection method: clinical testing. Allele origin: germline.

Blueprint Genetics
Classification: Likely benign. Last evaluated: 2023-10-10. Review status: criteria provided, single submitter. Criteria: ACMG Guidelines, 2015. Collection method: clinical testing. Allele origin: germline.

GeneDx
Classification: Benign. Last evaluated: 2011-07-14. Review status: criteria provided, single submitter. Criteria: GeneDx Variant Classification (06012015). Collection method: clinical testing. Allele origin: germline. Affected: yes.
Comment: This variant is considered likely benign or benign based on one or more of the following criteria: it is a conservative change, it occurs at a poorly conserved position in the protein, it is predicted to be benign by multiple in silico algorithms, and/or has population frequency not consistent with disease.

Breakthrough Genomics
Classification: Likely benign. Review status: criteria provided, single submitter. Criteria: ACMG Guidelines, 2015. Collection method: not provided. Allele origin: germline. Inheritance: Unknown mechanism. Affected: yes.